The following is an entry in ClinVar:

NM_000455.5(STK11):c.652G>A (p.Ala218Thr)

Gene: STK11 (serine/threonine kinase 11; plus strand). Cytogenetic location: 19p13.3.
Variant type: single nucleotide variant.
Coding change: c.652G>A on transcript NM_000455.5 (MANE Select); coding-DNA position 652, G replaced by A.
Protein change: p.Ala218Thr; replaces alanine 218 with threonine.
Molecular consequence: missense variant.
Genome position (GRCh38, 1-based): chr19:1,220,635, G>A. VCF-style: chr19-1220635-G-A. GRCh37 (hg19) VCF-style: chr19-1220634-G-A.
Other names: short protein forms A218T.
Identifiers: ClinVar variation 419647 (VCV000419647.6), dbSNP rs1064794015, ClinGen allele CA089438.

ClinVar aggregate classification (germline): Uncertain significance. Review status: criteria provided, multiple submitters, no conflicts (2 of 4 stars). 2 submissions from 2 submitters: Uncertain significance (2). Last evaluated 2021-12-25.

Conditions:
Peutz-Jeghers syndrome (PJS). Also called: Peutz-Jeghers polyposis; Periorificial lentiginosis syndrome; POLYPOSIS, HAMARTOMATOUS INTESTINAL; POLYPS-AND-SPOTS SYNDROME. Identifiers: Orphanet 2869, MedGen C0031269, MeSH D010580, MONDO:0008280, OMIM 175200.

Submissions (2):

Labcorp Genetics (formerly Invitae), Labcorp
Classification: Uncertain significance for Peutz-Jeghers syndrome. Last evaluated: 2021-12-25. Review status: criteria provided, single submitter. Criteria: Invitae Variant Classification Sherloc (09022015). Collection method: clinical testing. Allele origin: germline.
Comment: This sequence change replaces alanine, which is neutral and non-polar, with threonine, which is neutral and polar, at codon 218 of the STK11 protein (p.Ala218Thr). This variant is not present in population databases (gnomAD no frequency). This variant has not been reported in the literature in individuals affected with STK11-related conditions. ClinVar contains an entry for this variant (Variation ID: 419647). Advanced modeling of protein sequence and biophysical properties (such as structural, functional, and spatial information, amino acid conservation, physicochemical variation, residue mobility, and thermodynamic stability) performed at Invitae indicates that this missense variant is expected to disrupt STK11 protein function. In summary, the available evidence is currently insufficient to determine the role of this variant in disease. Therefore, it has been classified as a Variant of Uncertain Significance.

GeneDx
Classification: Uncertain significance. Last evaluated: 2015-08-07. Review status: criteria provided, single submitter. Criteria: GeneDx Variant Classification (06012015). Collection method: clinical testing. Allele origin: germline. Affected: yes.
Comment: This variant is denoted STK11 c.652G>A at the cDNA level, p.Ala218Thr (A218T) at the protein level, and results in the change of an Alanine to a Threonine (GCT>ACT). This variant has not, to our knowledge, been published in the literature as pathogenic or benign. STK11 Ala218Thr was not observed in approximately 6,100 individuals of European and African American ancestry in the NHLBI Exome Sequencing Project, indicating it is not a common benign variant in these populations. Since Alanine and Threonine differ in polarity, charge, size or other properties, this is considered a non-conservative amino acid substitution. STK11 Ala218Thr occurs at a position that is conserved across species and is located in the protein kinase domain and the region involved with binding of substrate and initiation of phospho transfer (UniProt, Hearle 2006). In silico analyses are inconsistent regarding the effect this variant may have on protein structure and function. Based on currently available information, it is unclear whether STK11 Ala218Thr is pathogenic or benign. We consider it to be a variant of uncertain significance.